The following is an entry in ClinVar:

NM_133642.5(LARGE1):c.409-19C>T

Gene: LARGE1 (LARGE xylosyl- and glucuronyltransferase 1; minus strand). Cytogenetic location: 22q12.3.
Variant type: single nucleotide variant.
Coding change: c.409-19C>T on transcript NM_133642.5 (MANE Select); 19 bases into the intron before coding-DNA position 409, C replaced by T.
Molecular consequence: intron variant.
Genome position (GRCh38, 1-based): chr22:33,626,345, G>A on the plus strand (C>T on the coding strand, the complement: LARGE1 is on the minus strand). VCF-style: chr22-33626345-G-A. GRCh37 (hg19) VCF-style: chr22-34022329-G-A.
Other names: c.409-19C>T (NM_001362953.2, NM_001362949.2, NM_001378627.1 and 7 more transcripts).
Identifiers: ClinVar variation 259534 (VCV000259534.10), dbSNP rs374692757, ClinGen allele CA10203054.

ClinVar aggregate classification (germline): Likely benign. Review status: criteria provided, multiple submitters, no conflicts (2 of 4 stars). 4 submissions from 4 submitters: Likely benign (4). Last evaluated 2025-12-30.

Conditions:
Muscular dystrophy-dystroglycanopathy type B6 (MDDGB6). Also called: MUSCULAR DYSTROPHY, CONGENITAL, LARGE-RELATED; MUSCULAR DYSTROPHY, CONGENITAL, TYPE 1D; MUSCULAR DYSTROPHY-DYSTROGLYCANOPATHY (CONGENITAL WITH IMPAIRED INTELLECTUAL DEVELOPMENT), TYPE B, 6. Identifiers: MedGen C1837229, MONDO:0012138, OMIM 608840.

Allele frequency attached by ClinVar (database versions not stated): 1000 Genomes Project 30x 0.00016; 1000 Genomes Project 0.00020; ExAC 0.00024; gnomAD exomes 0.00025; TOPMed 0.00027; gnomAD 0.00038 and 0.00041; ESP Exome Variant Server 0.00069.
gnomAD v4.1: 413 of 1,604,014 alleles (0.026%); highest among the groups gnomAD compares: Non-Finnish European, 0.032%; 1 homozygote.

Submissions (4):

Labcorp Genetics (formerly Invitae), Labcorp
Classification: Likely benign for Muscular dystrophy-dystroglycanopathy type B6. Last evaluated: 2025-12-30. Review status: criteria provided, single submitter. Criteria: Invitae Variant Classification Sherloc (09022015). Collection method: clinical testing. Allele origin: germline.

Blueprint Genetics
Classification: Likely benign. Last evaluated: 2024-10-31. Review status: criteria provided, single submitter. Criteria: ACMG Guidelines, 2015. Collection method: clinical testing. Allele origin: germline.

GeneDx
Classification: Likely benign. Last evaluated: 2017-02-17. Review status: criteria provided, single submitter. Criteria: GeneDx Variant Classification (06012015). Collection method: clinical testing. Allele origin: germline. Affected: yes.
Comment: This variant is considered likely benign or benign based on one or more of the following criteria: it is a conservative change, it occurs at a poorly conserved position in the protein, it is predicted to be benign by multiple in silico algorithms, and/or has population frequency not consistent with disease.

PreventionGenetics, part of Exact Sciences
Classification: Likely benign. Review status: criteria provided, single submitter. Criteria: ACMG Guidelines, 2015. Collection method: clinical testing. Allele origin: germline.